The following is an entry in ClinVar:

ClinVar aggregate classification (germline): Uncertain significance (1 of 4 stars; one submission).

Conditions:
Arrhythmogenic cardiomyopathy with wooly hair and keratoderma. Also called: Carvajal syndrome; PALMOPLANTAR KERATODERMA WITH LEFT VENTRICULAR CARDIOMYOPATHY AND WOOLLY HAIR; Dilated cardiomyopathy with woolly hair and keratoderma; Arrhythmogenic cardiomyopathy with woolly hair and keratoderma. Identifiers: Orphanet 65282, MedGen C1854063, MONDO:0011581, OMIM 605676.

Submission:

All of Us Research Program, National Institutes of Health
Classification: Uncertain significance for Arrhythmogenic cardiomyopathy with wooly hair and keratoderma. Last evaluated: 2024-03-05. Review status: criteria provided, single submitter. Criteria: ACMG Guidelines, 2015. Collection method: clinical testing. Allele origin: germline. Inheritance: Autosomal dominant inheritance. Observed: 1 variant allele, 1 heterozygote.
Comment: This study involves interpretation of variants in research participants for the purpose of population health screening. Participant phenotype was not available at the time of variant classification. Additional details can be found in publication PMID: 35346344, PMCID: PMC8962531

NM_004415.4(DSP):c.5974G>A (p.Asp1992Asn)

Gene: DSP (desmoplakin; plus strand). Cytogenetic location: 6p24.3.
Variant type: single nucleotide variant.
Coding change: c.5974G>A on transcript NM_004415.4 (MANE Select); coding-DNA position 5974, G replaced by A.
Protein change: p.Asp1992Asn; replaces aspartic acid 1992 with asparagine.
Molecular consequence: missense variant.
Genome position (GRCh38, 1-based): chr6:7,583,236, G>A. VCF-style: chr6-7583236-G-A. GRCh37 (hg19) VCF-style: chr6-7583469-G-A.
Other names: c.4177G>A, p.Asp1393Asn (NM_001008844.3); c.4645G>A, p.Asp1549Asn (NM_001319034.2); short protein forms D1393N, D1549N, D1992N.
Identifiers: ClinVar variation 3386695 (VCV003386695.1).